The following is an entry in ClinVar:

NM_004519.4(KCNQ3):c.1060G>A (p.Gly354Arg)

Gene: KCNQ3 (potassium voltage-gated channel subfamily Q member 3; minus strand). Cytogenetic location: 8q24.22.
Variant type: single nucleotide variant.
Coding change: c.1060G>A on transcript NM_004519.4 (MANE Select); coding-DNA position 1060, G replaced by A.
Protein change: p.Gly354Arg; replaces glycine 354 with arginine.
Molecular consequence: missense variant.
Genome position (GRCh38, 1-based): chr8:132,172,678, C>T on the plus strand (G>A on the coding strand, the complement: KCNQ3 is on the minus strand). VCF-style: chr8-132172678-C-T. GRCh37 (hg19) VCF-style: chr8-133184925-C-T.
Other names: c.700G>A, p.Gly234Arg (NM_001204824.2); short protein forms G354R, G234R.
Identifiers: ClinVar variation 449733 (VCV000449733.5), dbSNP rs796052680, ClinGen allele CA372289998.

ClinVar aggregate classification (germline): Pathogenic (1 of 4 stars; one submission).

Allele frequency attached by ClinVar (database versions not stated): gnomAD exomes below 0.00001; TOPMed below 0.00001.

Submission:

GeneDx
Classification: Pathogenic. Last evaluated: 2024-12-11. Review status: criteria provided, single submitter. Criteria: GeneDx Variant Classification Process June 2021. Collection method: clinical testing. Allele origin: germline. Affected: yes.
Comment: Reported as an inherited likely pathogenic variant in a neonate with a personal and family history of seizures (PMID: 34153113); Not observed at significant frequency in large population cohorts (gnomAD); In silico analysis supports that this missense variant has a deleterious effect on protein structure/function; This variant is associated with the following publications: (PMID: 33057194, 34153113, 35982159)